The following is an entry in ClinVar:

ClinVar aggregate classification (germline): Uncertain significance (1 of 4 stars; one submission).

Conditions:
Joubert syndrome. Also called: CEREBELLOPARENCHYMAL DISORDER IV; JOUBERT-BOLTSHAUSER SYNDROME; Familial aplasia of the vermis. Identifiers: Orphanet 475, MedGen C5979921, MONDO:0018772.
Meckel-Gruber syndrome. Also called: DYSENCEPHALIA SPLANCHNOCYSTICA; GRUBER SYNDROME; Dysencephalia splachnocystica. Identifiers: Orphanet 564, MedGen C0265215, MONDO:0018921.
Nephronophthisis. Also called: Juvenile Nephronophthisis. Identifiers: Orphanet 655, MedGen C0687120, MONDO:0019005, HP:0000090.

Allele frequency attached by ClinVar (database versions not stated): gnomAD exomes below 0.00001; gnomAD 0.00001.
gnomAD v4.1: 3 of 1,577,566 alleles (0.00019%); highest among the groups gnomAD compares: Admixed American, 0.0019%; no homozygotes.

Submission:

Labcorp Genetics (formerly Invitae), Labcorp
Classification: Uncertain significance for Joubert syndrome; Meckel-Gruber syndrome; Nephronophthisis. Last evaluated: 2025-06-16. Review status: criteria provided, single submitter. Criteria: Invitae Variant Classification Sherloc (09022015). Collection method: clinical testing. Allele origin: germline.
Comment: This sequence change replaces glutamine, which is neutral and polar, with lysine, which is basic and polar, at codon 2308 of the CEP290 protein (p.Gln2308Lys). This variant is not present in population databases (gnomAD no frequency). This variant has not been reported in the literature in individuals affected with CEP290-related conditions. ClinVar contains an entry for this variant (Variation ID: 1966476). An algorithm developed to predict the effect of missense changes on protein structure and function (PolyPhen-2) suggests that this variant is likely to be tolerated. In summary, the available evidence is currently insufficient to determine the role of this variant in disease. Therefore, it has been classified as a Variant of Uncertain Significance.

NM_025114.4(CEP290):c.6922C>A (p.Gln2308Lys)

Gene: CEP290 (centrosomal protein 290; minus strand). Cytogenetic location: 12q21.32.
Variant type: single nucleotide variant.
Coding change: c.6922C>A on transcript NM_025114.4 (MANE Select); coding-DNA position 6922, C replaced by A.
Protein change: p.Gln2308Lys; replaces glutamine 2308 with lysine.
Molecular consequence: missense variant.
Genome position (GRCh38, 1-based): chr12:88,055,614, G>T on the plus strand (C>A on the coding strand, the complement: CEP290 is on the minus strand). VCF-style: chr12-88055614-G-T. GRCh37 (hg19) VCF-style: chr12-88449391-G-T.
Other names: short protein forms Q2308K.
Identifiers: ClinVar variation 1966476 (VCV001966476.5), dbSNP rs1159666069, ClinGen allele CA385976175.